The following is an entry in ClinVar:

ClinVar aggregate classification (germline): Pathogenic (1 of 4 stars; one submission).

Submission:

ISCA site 4
Classification: Pathogenic. Last evaluated: 2011-08-12. Review status: criteria provided, single submitter. Criteria: Kaminsky et al. (Genet Med. 2011). Collection method: clinical testing. Allele origin: unknown. Affected: yes. Observed: 1 variant allele.
Comment: Copy number variation identified through the course of routine clinical cytogenomic testing in postnatal populations. Clinical assertions have been curated as described in Kaminsky et al. 2011.

GRCh38/hg38 17p13.3(chr17:198748-2261786)x1

Genes: ABR (ABR activator of RhoGEF and GTPase; minus strand), ABR-AS1 (ABR antisense RNA 1; plus strand), BHLHA9 (basic helix-loop-helix family member a9; plus strand), CRK (CRK proto-oncogene, adaptor protein; minus strand), CRK-AS1 (CRK antisense RNA 1; plus strand) and 162 more. Cytogenetic location: 17p13.3.
Variant type: copy number loss.
Change: copy number 1 (one copy instead of two) of chr17:198,748-2,261,786 (2.06 Mb, GRCh38 coordinates, 1-based), cytogenetic band 17p13.3.
Identifiers: ClinVar variation 57445 (VCV000057445.1).